The following is an entry in ClinVar:

ClinVar aggregate classification (germline): Likely pathogenic (1 of 4 stars; one submission).

Conditions:
Dystonia 28, childhood-onset (DYT28). Also called: KMT2B-Related Dystonia (DYT-KMT2B). Identifiers: Orphanet 589618, MedGen C4310633, MONDO:0015004, OMIM 617284.

Submission:

Undiagnosed Diseases Network, NIH
Classification: Likely pathogenic for Dystonia 28, childhood-onset. Last evaluated: 2017-09-30. Review status: criteria provided, single submitter. Criteria: ACMG Guidelines, 2015. Collection method: clinical testing. Allele origin: de novo. Affected: yes. Observed: 1 variant allele, 1 heterozygote.
Comment: The c.4931G>T missense variant in KMG2B gene was identified as a de novo variant.

NM_014727.3(KMT2B):c.4931G>T (p.Cys1644Phe)

Gene: KMT2B (lysine methyltransferase 2B; plus strand). Cytogenetic location: 19q13.12.
Variant type: single nucleotide variant.
Coding change: c.4931G>T on transcript NM_014727.3 (MANE Select); coding-DNA position 4931, G replaced by T.
Protein change: p.Cys1644Phe; replaces cysteine 1644 with phenylalanine.
Molecular consequence: missense variant.
Genome position (GRCh38, 1-based): chr19:35,729,980, G>T. VCF-style: chr19-35729980-G-T. GRCh37 (hg19) VCF-style: chr19-36220881-G-T.
Other names: short protein forms C1644F.
Identifiers: ClinVar variation 522861 (VCV000522861.3), dbSNP rs1555731819, ClinGen allele CA405418702.